The following is an entry in ClinVar:

ClinVar aggregate classification (germline): Uncertain significance (1 of 4 stars; one submission).

Conditions:
Immunodeficiency 39 (IMD39). Identifiers: Orphanet 574918, MedGen C4225358, MONDO:0014597, OMIM 616345.

Allele frequency attached by ClinVar (database versions not stated): gnomAD 0.00001; ExAC 0.00002.

Submission:

Labcorp Genetics (formerly Invitae), Labcorp
Classification: Uncertain significance for Immunodeficiency 39. Last evaluated: 2023-08-01. Review status: criteria provided, single submitter. Criteria: Invitae Variant Classification Sherloc (09022015). Collection method: clinical testing. Allele origin: germline.
Comment: In summary, the available evidence is currently insufficient to determine the role of this variant in disease. Therefore, it has been classified as a Variant of Uncertain Significance. Advanced modeling of protein sequence and biophysical properties (such as structural, functional, and spatial information, amino acid conservation, physicochemical variation, residue mobility, and thermodynamic stability) performed at Invitae indicates that this missense variant is not expected to disrupt IRF7 protein function. ClinVar contains an entry for this variant (Variation ID: 1003051). This variant has not been reported in the literature in individuals affected with IRF7-related conditions. The frequency data for this variant in the population databases is considered unreliable, as metrics indicate poor data quality at this position in the gnomAD database. This sequence change replaces alanine, which is neutral and non-polar, with threonine, which is neutral and polar, at codon 290 of the IRF7 protein (p.Ala290Thr).

NM_001572.5(IRF7):c.829G>A (p.Ala277Thr)

Gene: IRF7 (interferon regulatory factor 7; minus strand). Cytogenetic location: 11p15.5.
Variant type: single nucleotide variant.
Coding change: c.829G>A on transcript NM_001572.5 (MANE Select); coding-DNA position 829, G replaced by A.
Protein change: p.Ala277Thr; replaces alanine 277 with threonine.
Molecular consequence: missense variant.
Genome position (GRCh38, 1-based): chr11:613,803, C>T on the plus strand (G>A on the coding strand, the complement: IRF7 is on the minus strand). VCF-style: chr11-613803-C-T. GRCh37 (hg19) VCF-style: chr11-613803-C-T.
Other names: c.742G>A, p.Ala248Thr (NM_004029.4); c.868G>A, p.Ala290Thr (NM_004031.4); short protein forms A248T, A277T, A290T.
Identifiers: ClinVar variation 1003051 (VCV001003051.8), dbSNP rs764056720, ClinGen allele CA5783727.